The following is an entry in ClinVar:

ClinVar aggregate classification (germline): Uncertain significance (1 of 4 stars; one submission).

Conditions:
Compton-North congenital myopathy (CMYO12). Identifiers: Orphanet 210163, MedGen C2675527, MONDO:0012929, OMIM 612540.

Allele frequency attached by ClinVar (database versions not stated): gnomAD exomes below 0.00001; gnomAD 0.00001 and 0.00002.
gnomAD v4.1: 4 of 1,612,806 alleles (0.00025%); highest among the groups gnomAD compares: African/African-American, 0.0027%; no homozygotes.

Submission:

Labcorp Genetics (formerly Invitae), Labcorp
Classification: Uncertain significance for Myopathy, congenital, compton-north. Last evaluated: 2020-01-10. Review status: criteria provided, single submitter. Criteria: Invitae Variant Classification Sherloc (09022015). Collection method: clinical testing. Allele origin: germline.
Comment: This sequence change replaces threonine with isoleucine at codon 290 of the CNTN1 protein (p.Thr290Ile). The threonine residue is moderately conserved and there is a moderate physicochemical difference between threonine and isoleucine. This variant is not present in population databases (ExAC no frequency). This variant has not been reported in the literature in individuals with CNTN1-related conditions. Algorithms developed to predict the effect of missense changes on protein structure and function (SIFT, PolyPhen-2, Align-GVGD) all suggest that this variant is likely to be tolerated, but these predictions have not been confirmed by published functional studies and their clinical significance is uncertain. In summary, the available evidence is currently insufficient to determine the role of this variant in disease. Therefore, it has been classified as a Variant of Uncertain Significance.

NM_001843.4(CNTN1):c.869C>T (p.Thr290Ile)

Gene: CNTN1 (contactin 1; plus strand). Cytogenetic location: 12q12.
Variant type: single nucleotide variant.
Coding change: c.869C>T on transcript NM_001843.4 (MANE Select); coding-DNA position 869, C replaced by T.
Protein change: p.Thr290Ile; replaces threonine 290 with isoleucine.
Molecular consequence: missense variant.
Genome position (GRCh38, 1-based): chr12:40,933,762, C>T. VCF-style: chr12-40933762-C-T. GRCh37 (hg19) VCF-style: chr12-41327564-C-T.
Other names: c.869C>T, p.Thr290Ile (NM_001256063.2, NM_001256064.2); c.836C>T, p.Thr279Ile (NM_175038.2); short protein forms T279I, T290I.
Identifiers: ClinVar variation 856763 (VCV000856763.1), dbSNP rs1363438018, ClinGen allele CA384423287.